The following is an entry in ClinVar:

ClinVar aggregate classification (germline): Uncertain significance. Review status: criteria provided, multiple submitters, no conflicts (2 of 4 stars). 3 submissions from 3 submitters: Uncertain significance (3). Last evaluated 2022-02-10.

Conditions:
Bardet-Biedl syndrome (BBS). Identifiers: Orphanet 110, MedGen C0752166, MONDO:0015229.
Bardet-Biedl syndrome 12 (BBS12). Identifiers: Orphanet 110, MedGen C1859570, MONDO:0014440, OMIM 615989.

Allele frequency attached by ClinVar (database versions not stated): ExAC 0.00001; gnomAD 0.00001; TOPMed 0.00001.

Submissions (3):

Labcorp Genetics (formerly Invitae), Labcorp
Classification: Uncertain significance for Bardet-Biedl syndrome. Last evaluated: 2022-02-10. Review status: criteria provided, single submitter. Criteria: Invitae Variant Classification Sherloc (09022015). Collection method: clinical testing. Allele origin: germline.
Comment: This sequence change replaces leucine, which is neutral and non-polar, with histidine, which is basic and polar, at codon 553 of the BBS12 protein (p.Leu553His). This variant is present in population databases (rs753004315, gnomAD 0.0009%). This variant has not been reported in the literature in individuals affected with BBS12-related conditions. ClinVar contains an entry for this variant (Variation ID: 595422). Algorithms developed to predict the effect of missense changes on protein structure and function are either unavailable or do not agree on the potential impact of this missense change (SIFT: "Deleterious"; PolyPhen-2: "Probably Damaging"; Align-GVGD: "Class C0"). In summary, the available evidence is currently insufficient to determine the role of this variant in disease. Therefore, it has been classified as a Variant of Uncertain Significance.

Fulgent Genetics
Classification: Uncertain significance for Bardet-Biedl syndrome 12. Last evaluated: 2021-11-09. Review status: criteria provided, single submitter. Criteria: ACMG Guidelines, 2015. Collection method: clinical testing. Allele origin: unknown.

Eurofins Ntd Llc (ga)
Classification: Uncertain significance. Last evaluated: 2017-12-14. Review status: criteria provided, single submitter. Criteria: EGL Classification Definitions 2015. Collection method: clinical testing. Allele origin: germline. Observed: 1 variant allele, 1 heterozygote.

NM_152618.3(BBS12):c.1658T>A (p.Leu553His)

Gene: BBS12 (Bardet-Biedl syndrome 12; plus strand). Cytogenetic location: 4q27.
Variant type: single nucleotide variant.
Coding change: c.1658T>A on transcript NM_152618.3 (MANE Select); coding-DNA position 1658, T replaced by A.
Protein change: p.Leu553His; replaces leucine 553 with histidine.
Molecular consequence: missense variant.
Genome position (GRCh38, 1-based): chr4:122,743,550, T>A. VCF-style: chr4-122743550-T-A. GRCh37 (hg19) VCF-style: chr4-123664705-T-A.
Other names: c.1658T>A, p.Leu553His (NM_001178007.2); short protein forms L553H.
Identifiers: ClinVar variation 595422 (VCV000595422.8), dbSNP rs753004315, ClinGen allele CA3069487.